The following is an entry in ClinVar:

ClinVar aggregate classification (germline): Uncertain significance (1 of 4 stars; one submission).

Conditions:
Hyperekplexia 3 (HKPX3). Also called: HYPEREKPLEXIA 3, AUTOSOMAL RECESSIVE; HYPEREKPLEXIA 3, AUTOSOMAL DOMINANT. Identifiers: Orphanet 3197, MedGen C3553288, MONDO:0013827, OMIM 614618.

Allele frequency attached by ClinVar (database versions not stated): gnomAD exomes below 0.00001.

Submission:

Labcorp Genetics (formerly Invitae), Labcorp
Classification: Uncertain significance for Hyperekplexia 3. Last evaluated: 2020-10-09. Review status: criteria provided, single submitter. Criteria: Invitae Variant Classification Sherloc (09022015). Collection method: clinical testing. Allele origin: germline.
Comment: In summary, the available evidence is currently insufficient to determine the role of this variant in disease. Therefore, it has been classified as a Variant of Uncertain Significance. Algorithms developed to predict the effect of missense changes on protein structure and function (SIFT, PolyPhen-2, Align-GVGD) all suggest that this variant is likely to be tolerated, but these predictions have not been confirmed by published functional studies and their clinical significance is uncertain. This sequence change replaces alanine with valine at codon 100 of the SLC6A5 protein (p.Ala100Val). The alanine residue is weakly conserved and there is a small physicochemical difference between alanine and valine. This variant is not present in population databases (ExAC no frequency). This variant has not been reported in the literature in individuals with SLC6A5-related conditions.

NM_004211.5(SLC6A5):c.299C>T (p.Ala100Val)

Gene: SLC6A5 (solute carrier family 6 member 5; plus strand). Cytogenetic location: 11p15.1.
Variant type: single nucleotide variant.
Coding change: c.299C>T on transcript NM_004211.5 (MANE Select); coding-DNA position 299, C replaced by T.
Protein change: p.Ala100Val; replaces alanine 100 with valine.
Molecular consequence: missense variant. On other transcripts: 5 prime UTR variant (1).
Genome position (GRCh38, 1-based): chr11:20,601,424, C>T. VCF-style: chr11-20601424-C-T. GRCh37 (hg19) VCF-style: chr11-20622970-C-T.
Other names: c.-265C>T (NM_001318369.2); short protein forms A100V.
Identifiers: ClinVar variation 935611 (VCV000935611.9), dbSNP rs768440032, ClinGen allele CA379911897.